The following is an entry in ClinVar:

ClinVar aggregate classification (germline): Uncertain significance (1 of 4 stars; one submission).

Conditions:
SETX-related disorder. Also called: SETX-related condition; SETX-related disorders. Identifiers: MedGen CN239403.

Submission:

PreventionGenetics, part of Exact Sciences
Classification: Uncertain significance for SETX-related condition. Last evaluated: 2025-11-06. Review status: criteria provided, single submitter. Criteria: ACMG Guidelines, 2015. Collection method: clinical testing. Allele origin: germline.
Comment: The SETX c.5075T>G variant is predicted to result in the amino acid substitution p.Leu1692Trp. To our knowledge, this variant has not been reported in the literature or in a large population database (gnomAD), indicating this variant is rare. At this time, the clinical significance of this variant is uncertain due to the absence of conclusive functional and genetic evidence.

NM_015046.7(SETX):c.5075T>G (p.Leu1692Trp)

Gene: SETX (senataxin; minus strand). Cytogenetic location: 9q34.13.
Variant type: single nucleotide variant.
Coding change: c.5075T>G on transcript NM_015046.7 (MANE Select); coding-DNA position 5075, T replaced by G.
Protein change: p.Leu1692Trp; replaces leucine 1692 with tryptophan.
Molecular consequence: missense variant.
Genome position (GRCh38, 1-based): chr9:132,326,523, A>C on the plus strand (T>G on the coding strand, the complement: SETX is on the minus strand). VCF-style: chr9-132326523-A-C. GRCh37 (hg19) VCF-style: chr9-135201910-A-C.
Other names: c.5075T>G, p.Leu1692Trp (NM_001351527.2, NM_001351528.2); short protein forms L1692W.
Identifiers: ClinVar variation 4978490 (VCV004978490.1).